The following is an entry in ClinVar:

NM_000883.4(IMPDH1):c.156G>A (p.Leu52=)

Gene: IMPDH1 (inosine monophosphate dehydrogenase 1; minus strand). Cytogenetic location: 7q32.1.
Variant type: single nucleotide variant.
Coding change: c.156G>A on transcript NM_000883.4 (MANE Select); coding-DNA position 156, G replaced by A.
Protein change: p.Leu52=; no amino-acid change (leucine 52 retained).
Molecular consequence: synonymous variant. On other transcripts: intron variant (3).
Genome position (GRCh38, 1-based): chr7:128,409,475, C>T on the plus strand (G>A on the coding strand, the complement: IMPDH1 is on the minus strand). VCF-style: chr7-128409475-C-T. GRCh37 (hg19) VCF-style: chr7-128049529-C-T.
Other names: c.156G>A, p.Leu52= (NM_001142576.2); c.146+281G>A (NM_001304521.2, NM_183243.3); c.147-109G>A (NM_001102605.2).
Identifiers: ClinVar variation 1945713 (VCV001945713.5), dbSNP rs2535811576, ClinGen allele CA457528861.
Genomic context (GRCh38, chr7:128,409,475, plus strand): 5'-GTTTGAACCCCAGGAGTTGGAGCCACCTGAACGGGGTGTCGTCGGGTGTGTAGCGAGGTC[C>T]AATCTAGGGCTAAGATTTTAGGGAAGGTTTTTACGACCTGTTCCCTCTCCTCCGCTCCCC-3'
Protein context (NP_000874.2, residues 42-62): QAGYEPESPR[Leu52=]DLATHPTTPR

ClinVar aggregate classification (germline): Uncertain significance (1 of 4 stars; one submission).

Submission:

Labcorp Genetics (formerly Invitae), Labcorp
Classification: Uncertain significance. Last evaluated: 2022-10-25. Review status: criteria provided, single submitter. Criteria: Invitae Variant Classification Sherloc (09022015). Collection method: clinical testing. Allele origin: germline.
Comment: In summary, the available evidence is currently insufficient to determine the role of this variant in disease. Therefore, it has been classified as a Variant of Uncertain Significance. Algorithms developed to predict the effect of sequence changes on RNA splicing suggest that this variant may disrupt the consensus splice site. This variant has not been reported in the literature in individuals affected with IMPDH1-related conditions. This variant is not present in population databases (gnomAD no frequency). This sequence change affects codon 52 of the IMPDH1 mRNA. It is a 'silent' change, meaning that it does not change the encoded amino acid sequence of the IMPDH1 protein.